The following is an entry in ClinVar:

NM_170754.4(TNS2):c.2143G>A (p.Glu715Lys)

Gene: TNS2 (tensin 2; plus strand). Cytogenetic location: 12q13.13.
Variant type: single nucleotide variant.
Coding change: c.2143G>A on transcript NM_170754.4 (MANE Select); coding-DNA position 2143, G replaced by A.
Protein change: p.Glu715Lys; replaces glutamic acid 715 with lysine.
Molecular consequence: missense variant.
Genome position (GRCh38, 1-based): chr12:53,059,784, G>A. VCF-style: chr12-53059784-G-A. GRCh37 (hg19) VCF-style: chr12-53453568-G-A.
Other names: c.2143G>A, p.Glu715Lys (NM_001416202.1); c.2101G>A, p.Glu701Lys (NM_001416203.1); c.2170G>A, p.Glu724Lys (NM_001416204.1); c.2074G>A, p.Glu692Lys (NM_015319.3); c.1771G>A, p.Glu591Lys (NM_198316.2); short protein forms E701K, E715K, E692K, E591K, E724K.
Identifiers: ClinVar variation 3018977 (VCV003018977.3), dbSNP rs770434606, ClinGen allele CA6592542.

ClinVar aggregate classification (germline): Uncertain significance (1 of 4 stars; one submission).

Allele frequency attached by ClinVar (database versions not stated): gnomAD exomes below 0.00001; ExAC 0.00001.

Submission:

Labcorp Genetics (formerly Invitae), Labcorp
Classification: Uncertain significance. Last evaluated: 2023-05-15. Review status: criteria provided, single submitter. Criteria: Invitae Variant Classification Sherloc (09022015). Collection method: clinical testing. Allele origin: germline.
Comment: This sequence change replaces glutamic acid, which is acidic and polar, with lysine, which is basic and polar, at codon 725 of the TNS2 protein (p.Glu725Lys). This variant is present in population databases (rs770434606, gnomAD 0.003%). This variant has not been reported in the literature in individuals affected with TNS2-related conditions. An algorithm developed to predict the effect of missense changes on protein structure and function (PolyPhen-2) suggests that this variant is likely to be disruptive. In summary, the available evidence is currently insufficient to determine the role of this variant in disease. Therefore, it has been classified as a Variant of Uncertain Significance.